The following is an entry in ClinVar:

ClinVar aggregate classification (germline): Uncertain significance (1 of 4 stars; one submission).

gnomAD v4.1: 10 of 1,613,402 alleles (0.00062%); highest among the groups gnomAD compares: South Asian, 0.0011%; no homozygotes.

Submission:

CeGaT Center for Human Genetics Tuebingen
Classification: Uncertain significance. Last evaluated: 2022-08-01. Review status: criteria provided, single submitter. Criteria: CeGaT Center For Human Genetics Tuebingen Variant Classification Criteria Version 2. Collection method: clinical testing. Allele origin: germline. Affected: yes. Observed: 1 variant allele.
Comment: ABCB6: PM2

NM_005689.4(ABCB6):c.953G>T (p.Gly318Val)

Gene: ABCB6 (ATP binding cassette subfamily B member 6 (LAN blood group); minus strand). Cytogenetic location: 2q35.
Variant type: single nucleotide variant.
Coding change: c.953G>T on transcript NM_005689.4 (MANE Select); coding-DNA position 953, G replaced by T.
Protein change: p.Gly318Val; replaces glycine 318 with valine.
Molecular consequence: missense variant.
Genome position (GRCh38, 1-based): chr2:219,216,381, C>A on the plus strand (G>T on the coding strand, the complement: ABCB6 is on the minus strand). VCF-style: chr2-219216381-C-A. GRCh37 (hg19) VCF-style: chr2-220081103-C-A.
Other names: c.815G>T, p.Gly272Val (NM_001349828.2); short protein forms G272V, G318V.
Identifiers: ClinVar variation 2651915 (VCV002651915.24), dbSNP rs2544859114, ClinGen allele CA350639961.